The following is an entry in ClinVar:

NM_000257.4(MYH7):c.2163G>A (p.Arg721=)

Gene: MYH7 (myosin heavy chain 7; minus strand). Cytogenetic location: 14q11.2.
Variant type: single nucleotide variant.
Coding change: c.2163G>A on transcript NM_000257.4 (MANE Select); coding-DNA position 2163, G replaced by A.
Protein change: p.Arg721=; no amino-acid change (arginine 721 retained).
Molecular consequence: synonymous variant.
Genome position (GRCh38, 1-based): chr14:23,425,818, C>T on the plus strand (G>A on the coding strand, the complement: MYH7 is on the minus strand). VCF-style: chr14-23425818-C-T. GRCh37 (hg19) VCF-style: chr14-23895027-C-T.
Other names: c.2163G>A, p.Arg721= (NM_001407004.1).
Identifiers: ClinVar variation 3688582 (VCV003688582.2).

ClinVar aggregate classification (germline): Uncertain significance (1 of 4 stars; one submission).

Conditions:
Hypertrophic cardiomyopathy. Also called: HYPERTROPHIC MYOCARDIOPATHY. Identifiers: Orphanet 217569, MedGen C0007194, MeSH D002312, MONDO:0005045, HP:0001639.

gnomAD v4.1: 1 of 1,613,970 alleles (0.000062%); highest among the groups gnomAD compares: South Asian, 0.0011%; no homozygotes.

Submission:

Labcorp Genetics (formerly Invitae), Labcorp
Classification: Uncertain significance for Hypertrophic cardiomyopathy. Last evaluated: 2024-11-07. Review status: criteria provided, single submitter. Criteria: Invitae Variant Classification Sherloc (09022015). Collection method: clinical testing. Allele origin: germline.
Comment: This sequence change affects codon 721 of the MYH7 mRNA. It is a 'silent' change, meaning that it does not change the encoded amino acid sequence of the MYH7 protein. It affects a nucleotide within the consensus splice site. This variant is not present in population databases (gnomAD no frequency). This variant has not been reported in the literature in individuals affected with MYH7-related conditions. Algorithms developed to predict the effect of sequence changes on RNA splicing suggest that this variant is not likely to affect RNA splicing. In summary, the available evidence is currently insufficient to determine the role of this variant in disease. Therefore, it has been classified as a Variant of Uncertain Significance.